The following is an entry in ClinVar:

NC_000002.11:g.(113816819_113816988)_(113822322_?)dup

Gene: IL36RN (interleukin 36 receptor antagonist; plus strand). Cytogenetic location: 2q13.
Variant type: Duplication.
Identifiers: ClinVar variation 4848531 (VCV004848531.1).

ClinVar aggregate classification (germline): Uncertain significance (1 of 4 stars; one submission).

Submission:

Women's Health and Genetics/Laboratory Corporation of America, LabCorp
Classification: Uncertain significance. Last evaluated: 2026-04-29. Review status: criteria provided, single submitter. Criteria: LabCorp Variant Classification Summary - May 2015. Collection method: clinical testing. Allele origin: germline.
Comment: Variant summary: The variant involves the duplication of exons 2-5 in the IL36RN gene. A presumed nomenclature of c.(-28+1_-27-1)_(*2068_?)dup has been designated for the purposes of this classification. This duplication includes the entire coding sequence of the gene. As exact breakpoints are unknown, it may extend beyond the annotated region of the gene, to include other flanking genes. The variant was absent in 21694 control chromosomes. The available data on variant occurrences in the general population are insufficient to allow any conclusion about variant significance. To our knowledge, no occurrence of c.(-28+1_-27-1)_(*2068_?)dup in individuals affected with IL36RN-related conditions and no experimental evidence demonstrating its impact on protein function have been reported. No submitters have cited clinical-significance assessments for this variant to ClinVar. Based on the evidence outlined above, the variant was classified as uncertain significance.